The following is an entry in ClinVar:

ClinVar aggregate classification (germline): Pathogenic. Review status: criteria provided, multiple submitters, no conflicts (2 of 4 stars). 3 submissions from 3 submitters: Pathogenic (3). Last evaluated 2022-04-25.

Conditions:
Rare genetic deafness. Identifiers: Orphanet 96210, MedGen C5680250.
X-linked mixed hearing loss with perilymphatic gusher. Also called: NANCE DEAFNESS; PERILYMPHATIC GUSHER-DEAFNESS SYNDROME; SENSORINEURAL DEAFNESS, PROFOUND, WITH OR WITHOUT A CONDUCTIVE COMPONENT, ASSOCIATED WITH A UNIQUE DEVELOPMENTAL ABNORMALITY OF THE EAR; Deafness, X-linked 2; Gusher syndrome. Identifiers: Orphanet 383, MedGen C1844678, MONDO:0010576, OMIM 304400.

Submissions (3):

MGZ Medical Genetics Center
Classification: Pathogenic for X-linked mixed hearing loss with perilymphatic gusher. Last evaluated: 2022-04-25. Review status: criteria provided, single submitter. Criteria: ACMG Guidelines, 2015. Collection method: clinical testing. Allele origin: germline. Affected: yes. Observed: 1 variant allele.
Comment: ACMG criteria applied: PVS1, PS4_MOD, PM2_SUP, PP1

Neurogenetic Laboratory, Second Faculty of Medicine, Charles University
Classification: Pathogenic for X-linked mixed hearing loss with perilymphatic gusher. Last evaluated: 2021-03-30. Review status: criteria provided, single submitter. Criteria: ClinGen HL ACMG Specifications v1. Collection method: clinical testing. Allele origin: germline. Affected: yes.

Laboratory for Molecular Medicine, Mass General Brigham Personalized Medicine
Classification: Pathogenic for Rare genetic deafness. Last evaluated: 2015-03-05. Review status: criteria provided, single submitter. Criteria: LMM Criteria. Collection method: clinical testing. Allele origin: germline. Inheritance: X-linked inheritance. Observed: 1 variant allele.
Comment: The p.Gln203fs variant in POU3F4 has been reported in one individual with sensor ineural hearing loss and segregated in six affected male family members (de Kok 1995). This variant is predicted to cause a frameshift, which alters the protein ?s amino acid sequence beginning at position 203 and leads to a premature termin ation codon 37 amino acids downstream. This alteration is then predicted to lead to a truncated or absent protein. Loss of function of the POU3F4 gene is an est ablished disease mechanism in X-linked hearing loss. In summary, this variant me ets our criteria to be classified as pathogenic (dicine/lmm).

Literature cited by the submitters: PubMed 7839145 (cited by Laboratory for Molecular Medicine, Mass General Brigham Personalized Medicine).

NM_000307.5(POU3F4):c.607_610del (p.Gln203fs)

Gene: POU3F4 (POU class 3 homeobox 4; plus strand). Cytogenetic location: Xq21.1.
Variant type: Microsatellite.
Coding change: c.607_610del on transcript NM_000307.5 (MANE Select); coding-DNA positions 607 to 610, 4 bases deleted (CAAA; older notation c.607_610delCAAA).
Protein change: p.Gln203fs; shifts the reading frame from glutamine 203.
Molecular consequence: frameshift variant.
Genome position (GRCh38, 1-based): chrX:83,508,931-83,508,934, CAAA deleted; deleting any 4 consecutive bases within chrX:83,508,927-83,508,934 gives the same sequence; the c. name uses the placement nearest the transcript's 3' end. VCF-style (leftmost placement, unchanged base first): chrX-83508926-TCAAA-T. GRCh37 (hg19) VCF-style: chrX-82763934-TCAAA-T.
Other names: short protein forms Q203fs.
Identifiers: ClinVar variation 228391 (VCV000228391.8), dbSNP rs876657719, ClinGen allele CA10577182.